The following is an entry in ClinVar:

NM_033109.5(PNPT1):c.1073+6C>G

Gene: PNPT1 (polyribonucleotide nucleotidyltransferase 1; minus strand). Cytogenetic location: 2p16.1.
Variant type: single nucleotide variant.
Coding change: c.1073+6C>G on transcript NM_033109.5 (MANE Select); 6 bases into the intron after coding-DNA position 1073, C replaced by G.
Molecular consequence: intron variant.
Genome position (GRCh38, 1-based): chr2:55,667,856, G>C on the plus strand (C>G on the coding strand, the complement: PNPT1 is on the minus strand). VCF-style: chr2-55667856-G-C. GRCh37 (hg19) VCF-style: chr2-55894991-G-C.
Identifiers: ClinVar variation 1361084 (VCV001361084.6), dbSNP rs1433603519, ClinGen allele CA2573135053.

ClinVar aggregate classification (germline): Uncertain significance (1 of 4 stars; one submission).

Submission:

Labcorp Genetics (formerly Invitae), Labcorp
Classification: Uncertain significance. Last evaluated: 2022-10-17. Review status: criteria provided, single submitter. Criteria: Invitae Variant Classification Sherloc (09022015). Collection method: clinical testing. Allele origin: germline.
Comment: This sequence change falls in intron 12 of the PNPT1 gene. It does not directly change the encoded amino acid sequence of the PNPT1 protein. It affects a nucleotide within the consensus splice site. This variant is not present in population databases (gnomAD no frequency). This variant has not been reported in the literature in individuals affected with PNPT1-related conditions. ClinVar contains an entry for this variant (Variation ID: 1361084). Variants that disrupt the consensus splice site are a relatively common cause of aberrant splicing (PMID: 17576681, 9536098). Algorithms developed to predict the effect of sequence changes on RNA splicing suggest that this variant is not likely to affect RNA splicing. In summary, the available evidence is currently insufficient to determine the role of this variant in disease. Therefore, it has been classified as a Variant of Uncertain Significance.

Literature cited by the submitters: PubMed 17576681; PubMed 9536098.